The following is an entry in ClinVar:

ClinVar aggregate classification (germline): Uncertain significance (1 of 4 stars; one submission).

Conditions:
Dilated cardiomyopathy 1DD (CMD1DD). Identifiers: Orphanet 154, MedGen C2750995, MONDO:0013168, OMIM 613172.

Submission:

Labcorp Genetics (formerly Invitae), Labcorp
Classification: Uncertain significance for Dilated cardiomyopathy 1DD. Last evaluated: 2024-06-17. Review status: criteria provided, single submitter. Criteria: Invitae Variant Classification Sherloc (09022015). Collection method: clinical testing. Allele origin: germline.
Comment: This sequence change replaces arginine, which is basic and polar, with valine, which is neutral and non-polar, at codon 784 of the RBM20 protein (p.Arg784Val). Information on the frequency of this variant in the gnomAD database is not available, as this variant may be reported differently in the database. This variant has not been reported in the literature in individuals affected with RBM20-related conditions. ClinVar contains an entry for this variant (Variation ID: 999177). An algorithm developed to predict the effect of missense changes on protein structure and function (PolyPhen-2) suggests that this variant is likely to be disruptive. In summary, the available evidence is currently insufficient to determine the role of this variant in disease. Therefore, it has been classified as a Variant of Uncertain Significance.

NM_001134363.3(RBM20):c.2350_2351delinsGT (p.Arg784Val)

Gene: RBM20 (RNA binding motif protein 20; plus strand). Cytogenetic location: 10q25.2.
Variant type: Indel.
Coding change: c.2350_2351delinsGT on transcript NM_001134363.3 (MANE Select); coding-DNA positions 2350 to 2351, AG replaced by GT.
Protein change: p.Arg784Val; replaces arginine 784 with valine.
Molecular consequence: missense variant.
Genome position (GRCh38, 1-based): chr10:110,812,747-110,812,748, AG replaced by GT. VCF-style: chr10-110812747-AG-GT. GRCh37 (hg19) VCF-style: chr10-112572505-AG-GT.
Other names: short protein forms R784V.
Identifiers: ClinVar variation 999177 (VCV000999177.8), dbSNP rs1844789808, ClinGen allele CA2497307632.